The following is an entry in ClinVar:

NM_001122681.2(SH3BP2):c.428+1G>C

Gene: SH3BP2 (SH3 domain binding protein 2; plus strand). Cytogenetic location: 4p16.3.
Variant type: single nucleotide variant.
Coding change: c.428+1G>C on transcript NM_001122681.2 (MANE Select); the canonical splice donor site of the intron after coding-DNA position 428, G replaced by C.
Molecular consequence: splice donor variant.
Genome position (GRCh38, 1-based): chr4:2,825,197, G>C. VCF-style: chr4-2825197-G-C. GRCh37 (hg19) VCF-style: chr4-2826924-G-C.
Other names: c.512+1G>C (NM_001145855.2); c.599+1G>C (NM_001145856.2); c.428+1G>C (NM_003023.4).
Identifiers: ClinVar variation 999698 (VCV000999698.9), dbSNP rs769264475, ClinGen allele CA2819070.
Genomic context (GRCh38, chr4:2,825,197, plus strand): 5'-CTTGCTGCGCAGGGAGATTGGCCACTTCCACGAAAAGAAAGACCTGCCCTTGGACACCAG[G>C]TGAGCCCGGGCCCAGGGCATACCGGGCAGTGAGGGTCCCTGGGGCGCCTGGGCCTGACCC-3'

ClinVar aggregate classification (germline): Conflicting classifications of pathogenicity. Review status: criteria provided, conflicting classifications (1 of 4 stars). 3 submissions from 3 submitters: Uncertain significance (2); Likely benign (1). Last evaluated 2025-06-22.

Conditions:
Fibrous dysplasia of jaw (CRBM). Also called: Cherubism. Identifiers: Orphanet 184, MedGen C0008029, MONDO:0007315, OMIM 118400.

Allele frequency attached by ClinVar (database versions not stated): ExAC below 0.00001; gnomAD 0.00001; TOPMed 0.00001; gnomAD exomes 0.00002 and 0.00004.
gnomAD v4.1: 51 of 1,575,414 alleles (0.0032%); highest among the groups gnomAD compares: Non-Finnish European, 0.0042%; no homozygotes.

Submissions (3):

Labcorp Genetics (formerly Invitae), Labcorp
Classification: Uncertain significance for Fibrous dysplasia of jaw. Last evaluated: 2025-06-22. Review status: criteria provided, single submitter. Criteria: Invitae Variant Classification Sherloc (09022015). Collection method: clinical testing. Allele origin: germline.
Comment: This sequence change affects a donor splice site in intron 5 of the SH3BP2 gene. It is expected to disrupt RNA splicing. Variants that disrupt the donor or acceptor splice site typically lead to a loss of protein function (PMID: 16199547), however the current clinical and genetic evidence is not sufficient to establish whether loss-of-function variants in SH3BP2 cause disease. This variant is present in population databases (rs769264475, gnomAD 0.004%). This variant has not been reported in the literature in individuals affected with SH3BP2-related conditions. ClinVar contains an entry for this variant (Variation ID: 999698). Algorithms developed to predict the effect of sequence changes on RNA splicing suggest that this variant may disrupt the consensus splice site. In summary, the available evidence is currently insufficient to determine the role of this variant in disease. Therefore, it has been classified as a Variant of Uncertain Significance.

Blueprint Genetics
Classification: Likely benign. Last evaluated: 2024-09-16. Review status: criteria provided, single submitter. Criteria: ACMG Guidelines, 2015. Collection method: clinical testing. Allele origin: germline.

Fulgent Genetics
Classification: Uncertain significance for Fibrous dysplasia of jaw. Last evaluated: 2022-05-23. Review status: criteria provided, single submitter. Criteria: ACMG Guidelines, 2015. Collection method: clinical testing. Allele origin: unknown.

Literature cited by the submitters: PubMed 16199547 (cited by Labcorp Genetics (formerly Invitae), Labcorp).